The following is an entry in ClinVar:

NM_000518.5(HBB):c.315+81C>T

Genes: HBB (hemoglobin subunit beta; minus strand), LOC107133510 (origin of replication at HBB; plus strand), LOC110006319 (beta-globin gene 3' regulatory region; plus strand). Cytogenetic location: 11p15.4.
Variant type: single nucleotide variant.
Coding change: c.315+81C>T on transcript NM_000518.5 (MANE Select); 81 bases into the intron after coding-DNA position 315, C replaced by T.
Molecular consequence: intron variant.
Genome position (GRCh38, 1-based): chr11:5,226,496, G>A on the plus strand (C>T on the coding strand, the complement: HBB is on the minus strand). VCF-style: chr11-5226496-G-A. GRCh37 (hg19) VCF-style: chr11-5247726-G-A.
Other names: IVS-II-81 C>T; IVS II-81 (C>T).
Identifiers: ClinVar variation 439774 (VCV000439774.28), dbSNP rs7946748, ClinGen allele CA13557610.

ClinVar aggregate classification (germline): Benign. Review status: reviewed by expert panel (3 of 4 stars). 10 submissions from 10 submitters: Benign (1). 9 of the submissions do not count toward it. Last evaluated 2026-04-30.

Conditions:
Beta-thalassemia HBB/LCRB. Identifiers: MedGen CN322236, MONDO:0013517, OMIM 613985.
beta Thalassemia (BTHAL). Also called: Cooley's anemia; Erythroblastic anemia; Mediterranean anemia. Identifiers: Orphanet 848, MedGen C0005283, MONDO:0019402. Disease mechanism: loss of function.

Allele frequency attached by ClinVar (database versions not stated): TOPMed 0.09445; 1000 Genomes Project 0.09924; 1000 Genomes Project 30x 0.10041; gnomAD 0.10445 and 0.10611.
gnomAD v4.1: 146,994 of 1,277,896 alleles (12%); highest among the groups gnomAD compares: South Asian, 17%; 9,166 homozygotes.

Submissions (10):

ClinGen Hemoglobinopathy Variant Curation Expert Panel, ClinGen
Classification: Benign for Beta-thalassemia HBB/LCRB. Last evaluated: 2026-04-30. Review status: reviewed by expert panel. Criteria: ClinGen Hb Opathy ACMG Specifications HBB V1.0.0. Collection method: curation. Allele origin: germline. Inheritance: Autosomal recessive inheritance.
Comment: The c.315+81C>T variant is found in intron 2 of the HBB. The highest population minor allele frequency in gnomAD v4.1 is 0.1719 (14555/83544 alleles) in South Asian, which is higher than the ClinGen Hemoglobinopathy VCEP threshold (≥0.005) for BA1, and therefore meets this criterion [BA1]. The results from two in silico predictors, CADD (PHRED score 2.377; VCEP threshold ≤11) and SpliceAI (Δ score 0; VCEP threshold ≤0.3), suggest that this variant is not expected to impact HBB function [BP4]. In summary, this variant meets the criteria to be classified as benign for recessive beta-thalassemia HBB/LCRB (MONDO:0013517) based on the ACMG/AMP criteria applied, as specified by the ClinGen Hemoglobinopathy VCEP (specification version 1.0.0): BA1, BP4.

Women's Health and Genetics/Laboratory Corporation of America, LabCorp
Classification: Benign. Last evaluated: 2026-03-30. Review status: criteria provided, single submitter. Criteria: LabCorp Variant Classification Summary - May 2015. Collection method: clinical testing. Allele origin: germline. Not counted in ClinVar's aggregate classification.
Comment: Variant summary: HBB c.315+81C>T is located at a position not widely known to affect splicing. The variant allele was found at a frequency of 0.11 in 31364 control chromosomes in the gnomAD database, including 206 homozygotes. The observed variant frequency exceeds the estimated maximal expected allele frequency for disease-causing variants in HBB. To our knowledge, no occurrence of c.315+81C>T in individuals affected with HBB-related conditions and no experimental evidence demonstrating its impact on protein function have been reported. ClinVar contains an entry for this variant (Variation ID: 439774). Based on the evidence outlined above, the variant was classified as benign.

Labcorp Genetics (formerly Invitae), Labcorp
Classification: Benign. Last evaluated: 2026-02-04. Review status: criteria provided, single submitter. Criteria: Invitae Variant Classification Sherloc (09022015). Collection method: clinical testing. Allele origin: germline. Not counted in ClinVar's aggregate classification.

Genome-Nilou Lab
Classification: Benign for Beta-thalassemia HBB/LCRB. Last evaluated: 2021-07-01. Review status: criteria provided, single submitter. Criteria: ACMG Guidelines, 2015. Collection method: clinical testing. Allele origin: germline. Affected: no. Not counted in ClinVar's aggregate classification.

ARUP Laboratories, Molecular Genetics and Genomics, ARUP Laboratories
Classification: Benign. Last evaluated: 2020-04-16. Review status: criteria provided, single submitter. Criteria: ARUP Molecular Germline Variant Investigation Process. Collection method: clinical testing. Allele origin: germline. Not counted in ClinVar's aggregate classification.

GeneDx
Classification: Benign. Last evaluated: 2018-11-12. Review status: criteria provided, single submitter. Criteria: GeneDx Variant Classification Process June 2021. Collection method: clinical testing. Allele origin: germline. Affected: yes. Not counted in ClinVar's aggregate classification.

Breakthrough Genomics
Classification: Benign. Review status: criteria provided, single submitter. Criteria: ACMG Guidelines, 2015. Collection method: not provided. Allele origin: germline. Inheritance: Autosomal recessive inheritance. Affected: yes. Not counted in ClinVar's aggregate classification.

Natera, Inc.
Classification: Benign for Beta thalassemia. Last evaluated: 2020-09-16. Review status: no assertion criteria provided. Collection method: clinical testing. Allele origin: germline. Not counted in ClinVar's aggregate classification.

The ITHANET community portal, The Cyprus Institute of Neurology and Genetics
Classification: Benign for beta Thalassemia. Last evaluated: 2019-11-25. Review status: no assertion criteria provided. Collection method: curation. Allele origin: germline. Not counted in ClinVar's aggregate classification.

College of Science, Al Muthanna University, Al Muthanna University
Classification: Benign for beta Thalassemia. Last evaluated: 2018-01-01. Review status: no assertion criteria provided. Collection method: research. Allele origin: germline. Not counted in ClinVar's aggregate classification.

Literature cited by the submitters: PubMed 24099628 (cited by The ITHANET community portal, The Cyprus Institute of Neurology and Genetics); PubMed 31714438 (cited by College of Science, Al Muthanna University, Al Muthanna University).